The following is an entry in ClinVar:

ClinVar aggregate classification (germline): Uncertain significance (1 of 4 stars; one submission).

Submission:

GeneDx
Classification: Uncertain significance. Last evaluated: 2025-04-17. Review status: criteria provided, single submitter. Criteria: GeneDx Variant Classification Process June 2021. Collection method: clinical testing. Allele origin: germline. Affected: yes.
Comment: Not observed at significant frequency in large population cohorts (gnomAD); In silico analysis supports that this missense variant has a deleterious effect on protein structure/function; Has not been previously published as pathogenic or benign to our knowledge

NM_001190274.2(FBXO11):c.1346A>T (p.Asn449Ile)

Gene: FBXO11 (F-box protein 11; minus strand). Cytogenetic location: 2p16.3.
Variant type: single nucleotide variant.
Coding change: c.1346A>T on transcript NM_001190274.2 (MANE Select); coding-DNA position 1346, A replaced by T.
Protein change: p.Asn449Ile; replaces asparagine 449 with isoleucine.
Molecular consequence: missense variant.
Genome position (GRCh38, 1-based): chr2:47,832,401, T>A on the plus strand (A>T on the coding strand, the complement: FBXO11 is on the minus strand). VCF-style: chr2-47832401-T-A. GRCh37 (hg19) VCF-style: chr2-48059540-T-A.
Other names: c.1094A>T, p.Asn365Ile (NM_001374325.1, NM_025133.4); short protein forms N365I, N449I.
Identifiers: ClinVar variation 2581809 (VCV002581809.2), dbSNP rs367629541, ClinGen allele CA346765283.
Genomic context (GRCh38, chr2:47,832,401, plus strand): 5'-GTTCTTACCATGCCATGATCAAATGTGAACACACCAACATCACGTCCATGATGAATATGA[T>A]TCCGTCTAATAATTGGGTTTCCATGATTTTTAACCCAAATCCCAGCTAACGCATTATTGG-3'
Protein context (NP_001177203.1, residues 439-459): KNHGNPIIRR[Asn449Ile]HIHHGRDVGV